The following is an entry in ClinVar:

NM_015991.4(C1QA):c.295A>C (p.Ile99Leu)

Gene: C1QA (complement C1q A chain; plus strand). Cytogenetic location: 1p36.12.
Variant type: single nucleotide variant.
Coding change: c.295A>C on transcript NM_015991.4 (MANE Select); coding-DNA position 295, A replaced by C.
Protein change: p.Ile99Leu; replaces isoleucine 99 with leucine.
Molecular consequence: missense variant.
Genome position (GRCh38, 1-based): chr1:22,638,964, A>C. VCF-style: chr1-22638964-A-C. GRCh37 (hg19) VCF-style: chr1-22965457-A-C.
Other names: c.295A>C, p.Ile99Leu (NM_001347465.2, NM_001347466.2); short protein forms I99L.
Identifiers: ClinVar variation 1510667 (VCV001510667.24), dbSNP rs180679721, ClinGen allele CA677759.

ClinVar aggregate classification (germline): Uncertain significance. Review status: criteria provided, multiple submitters, no conflicts (2 of 4 stars). 4 submissions from 4 submitters: Uncertain significance (4). Last evaluated 2025-01-27.

Allele frequency attached by ClinVar (database versions not stated): gnomAD exomes 0.00020 and 0.00031; ExAC 0.00030; ESP Exome Variant Server 0.00031; gnomAD 0.00034 and 0.00037; 1000 Genomes Project 0.00040; TOPMed 0.00050.
gnomAD v4.1: 382 of 1,609,810 alleles (0.024%); highest among the groups gnomAD compares: Middle Eastern, 0.26%; 1 homozygote.

Submissions (4):

Labcorp Genetics (formerly Invitae), Labcorp
Classification: Uncertain significance. Last evaluated: 2025-01-27. Review status: criteria provided, single submitter. Criteria: Invitae Variant Classification Sherloc (09022015). Collection method: clinical testing. Allele origin: germline.
Comment: This sequence change replaces isoleucine, which is neutral and non-polar, with leucine, which is neutral and non-polar, at codon 99 of the C1QA protein (p.Ile99Leu). This variant is present in population databases (rs180679721, gnomAD 0.09%). This variant has not been reported in the literature in individuals affected with C1QA-related conditions. ClinVar contains an entry for this variant (Variation ID: 1510667). An algorithm developed to predict the effect of missense changes on protein structure and function outputs the following: PolyPhen-2: "Benign". The leucine amino acid residue is found in multiple mammalian species, which suggests that this missense change does not adversely affect protein function. In summary, the available evidence is currently insufficient to determine the role of this variant in disease. Therefore, it has been classified as a Variant of Uncertain Significance.

Blueprint Genetics
Classification: Uncertain significance. Last evaluated: 2024-11-07. Review status: criteria provided, single submitter. Criteria: ACMG Guidelines, 2015. Collection method: clinical testing. Allele origin: germline.

CeGaT Center for Human Genetics Tuebingen
Classification: Uncertain significance. Last evaluated: 2024-06-01. Review status: criteria provided, single submitter. Criteria: CeGaT Center For Human Genetics Tuebingen Variant Classification Criteria Version 2. Collection method: clinical testing. Allele origin: germline. Affected: yes. Observed: 1 variant allele.

Breakthrough Genomics
Classification: Uncertain significance. Review status: criteria provided, single submitter. Criteria: ACMG Guidelines, 2015. Collection method: not provided. Allele origin: germline. Inheritance: Autosomal recessive inheritance. Affected: yes.